The following is an entry in ClinVar:

ClinVar aggregate classification (germline): Uncertain significance (1 of 4 stars; one submission).

Allele frequency attached by ClinVar (database versions not stated): gnomAD exomes below 0.00001; gnomAD 0.00001; TOPMed 0.00001.

Submission:

Labcorp Genetics (formerly Invitae), Labcorp
Classification: Uncertain significance. Last evaluated: 2024-12-16. Review status: criteria provided, single submitter. Criteria: Invitae Variant Classification Sherloc (09022015). Collection method: clinical testing. Allele origin: germline.
Comment: This sequence change replaces arginine, which is basic and polar, with cysteine, which is neutral and slightly polar, at codon 58 of the PPP2R5D protein (p.Arg58Cys). This variant is present in population databases (no rsID available, gnomAD 0.005%). This variant has not been reported in the literature in individuals affected with PPP2R5D-related conditions. ClinVar contains an entry for this variant (Variation ID: 1488249). An algorithm developed to predict the effect of missense changes on protein structure and function (PolyPhen-2) suggests that this variant is likely to be disruptive. In summary, the available evidence is currently insufficient to determine the role of this variant in disease. Therefore, it has been classified as a Variant of Uncertain Significance.

NM_006245.4(PPP2R5D):c.172C>T (p.Arg58Cys)

Gene: PPP2R5D (protein phosphatase 2 regulatory subunit B'delta; plus strand). Cytogenetic location: 6p21.1.
Variant type: single nucleotide variant.
Coding change: c.172C>T on transcript NM_006245.4 (MANE Select); coding-DNA position 172, C replaced by T.
Protein change: p.Arg58Cys; replaces arginine 58 with cysteine.
Molecular consequence: missense variant. On other transcripts: 5 prime UTR variant (1), intron variant (1).
Genome position (GRCh38, 1-based): chr6:43,006,529, C>T. VCF-style: chr6-43006529-C-T. GRCh37 (hg19) VCF-style: chr6-42974267-C-T.
Other names: c.-282C>T (NM_001270476.2); c.172C>T, p.Arg58Cys (NM_180976.3); c.28-405C>T (NM_180977.3); short protein forms R58C.
Identifiers: ClinVar variation 1488249 (VCV001488249.6), dbSNP rs1394527818, ClinGen allele CA364179301.